The following is an entry in ClinVar:

NM_000202.8(IDS):c.806A>G (p.Asp269Gly)

Genes: IDS (iduronate 2-sulfatase; minus strand), LOC106050102 (IDS recombination region; plus strand). Cytogenetic location: Xq28.
Variant type: single nucleotide variant.
Coding change: c.806A>G on transcript NM_000202.8 (MANE Select); coding-DNA position 806, A replaced by G.
Protein change: p.Asp269Gly; replaces aspartic acid 269 with glycine.
Molecular consequence: missense variant. On other transcripts: non-coding transcript variant (1).
Genome position (GRCh38, 1-based): chrX:149,496,419, T>C on the plus strand (A>G on the coding strand, the complement: IDS is on the minus strand). VCF-style: chrX-149496419-T-C. GRCh37 (hg19) VCF-style: chrX-148577950-T-C.
Other names: c.536A>G, p.Asp179Gly (NM_001166550.4); c.806A>G, p.Asp269Gly (NM_006123.5); short protein forms D269G, D179G.
Identifiers: ClinVar variation 1514942 (VCV001514942.8), dbSNP rs1085308006, ClinGen allele CA414521898.

ClinVar aggregate classification (germline): Uncertain significance (1 of 4 stars; one submission).

Conditions:
Mucopolysaccharidosis, MPS-II (MPS2). Also called: Mucopolysaccharidosis with skin involvement; Mucopolysaccharidosis type 2; Attenuated MPS (subtype; formerly known as mild MPS II); Severe MPS II; I2S deficiency; MPS 2. Identifiers: Orphanet 580, Orphanet 79388, MedGen C0026705, MONDO:0010674, OMIM 309900.

Submission:

Labcorp Genetics (formerly Invitae), Labcorp
Classification: Uncertain significance for Mucopolysaccharidosis, MPS-II. Last evaluated: 2021-06-22. Review status: criteria provided, single submitter. Criteria: Invitae Variant Classification Sherloc (09022015). Collection method: clinical testing. Allele origin: germline.
Comment: In summary, the available evidence is currently insufficient to determine the role of this variant in disease. Therefore, it has been classified as a Variant of Uncertain Significance. Algorithms developed to predict the effect of missense changes on protein structure and function are either unavailable or do not agree on the potential impact of this missense change (SIFT: "Deleterious"; PolyPhen-2: "Probably Damaging"; Align-GVGD: "Class C0"). This variant is not present in population databases (ExAC no frequency). This variant has not been reported in the literature in individuals affected with IDS-related conditions. This sequence change replaces aspartic acid with glycine at codon 269 of the IDS protein (p.Asp269Gly). The aspartic acid residue is highly conserved and there is a moderate physicochemical difference between aspartic acid and glycine.